The following is an entry in ClinVar:

ClinVar aggregate classification (germline): Uncertain significance (1 of 4 stars; one submission).

Conditions:
Hypercholesterolemia, autosomal dominant, 3 (FHCL3). Also called: PCSK9-Related Familial Hypercholesterolemia, Autosomal Dominant; Familial hypercholesterolemia 3; Familial Hypercholesterolemia, Autosomal Dominant, 3. Identifiers: MedGen C1863551, MONDO:0011369, OMIM 603776.

gnomAD v4.1: 1 of 1,564,182 alleles (0.000064%); no homozygotes.

Submission:

Labcorp Genetics (formerly Invitae), Labcorp
Classification: Uncertain significance for Hypercholesterolemia, autosomal dominant, 3. Last evaluated: 2024-07-08. Review status: criteria provided, single submitter. Criteria: Invitae Variant Classification Sherloc (09022015). Collection method: clinical testing. Allele origin: germline.
Comment: This sequence change replaces cysteine, which is neutral and slightly polar, with glycine, which is neutral and non-polar, at codon 67 of the PCSK9 protein (p.Cys67Gly). This variant is not present in population databases (gnomAD no frequency). This variant has not been reported in the literature in individuals affected with PCSK9-related conditions. Advanced modeling of protein sequence and biophysical properties (such as structural, functional, and spatial information, amino acid conservation, physicochemical variation, residue mobility, and thermodynamic stability) performed at Invitae indicates that this missense variant is not expected to disrupt PCSK9 protein function with a negative predictive value of 80%. In summary, the available evidence is currently insufficient to determine the role of this variant in disease. Therefore, it has been classified as a Variant of Uncertain Significance.

NM_174936.4(PCSK9):c.199T>G (p.Cys67Gly)

Gene: PCSK9 (proprotein convertase subtilisin/kexin type 9; plus strand). Cytogenetic location: 1p32.3.
Variant type: single nucleotide variant.
Coding change: c.199T>G on transcript NM_174936.4 (MANE Select); coding-DNA position 199, T replaced by G.
Protein change: p.Cys67Gly; replaces cysteine 67 with glycine.
Molecular consequence: missense variant. On other transcripts: 5 prime UTR variant (1), non-coding transcript variant (8).
Genome position (GRCh38, 1-based): chr1:55,040,036, T>G. VCF-style: chr1-55040036-T-G. GRCh37 (hg19) VCF-style: chr1-55505709-T-G.
Other names: c.199T>G, p.Cys67Gly (NM_001407240.1, NM_001407241.1, NM_001407242.1 and 4 more transcripts); c.-536T>G (NM_001407246.1); short protein forms C67G.
Identifiers: ClinVar variation 3627326 (VCV003627326.2).